The following is an entry in ClinVar:

NM_000052.7(ATP7A):c.4253A>G (p.Tyr1418Cys)

Gene: ATP7A (ATPase copper transporting alpha; plus strand). Cytogenetic location: Xq21.1.
Variant type: single nucleotide variant.
Coding change: c.4253A>G on transcript NM_000052.7 (MANE Select); coding-DNA position 4253, A replaced by G.
Protein change: p.Tyr1418Cys; replaces tyrosine 1418 with cysteine.
Molecular consequence: missense variant. On other transcripts: non-coding transcript variant (1).
Genome position (GRCh38, 1-based): chrX:78,046,320, A>G. VCF-style: chrX-78046320-A-G. GRCh37 (hg19) VCF-style: chrX-77301817-A-G.
Other names: c.4019A>G, p.Tyr1340Cys (NM_001282224.2); short protein forms Y1418C, Y1340C.
Identifiers: ClinVar variation 4789456 (VCV004789456.1).

ClinVar aggregate classification (germline): Uncertain significance (1 of 4 stars; one submission).

Conditions:
Menkes kinky-hair syndrome (MNK). Also called: Menkes Disease; Copper transport disease; Classic Menkes Disease. Identifiers: Orphanet 565, MedGen C0022716, MONDO:0010651, OMIM 309400.
Cutis laxa, X-linked (OHS). Also called: EDS IX; Occipital horn syndrome. Identifiers: Orphanet 198, MedGen C0268353, MONDO:0010572, OMIM 304150.
X-linked distal spinal muscular atrophy type 3. Also called: ATP7A-Related Distal Motor Neuropathy; SPINAL MUSCULAR ATROPHY, DISTAL, X-LINKED RECESSIVE; NEURONOPATHY, DISTAL HEREDITARY MOTOR, X-LINKED; NEUROPATHY, DISTAL HEREDITARY MOTOR, X-LINKED. Identifiers: Orphanet 139557, MedGen C1845359, MONDO:0010338, OMIM 300489.

Submission:

Labcorp Genetics (formerly Invitae), Labcorp
Classification: Uncertain significance for X-linked distal spinal muscular atrophy type 3; Cutis laxa, X-linked; Menkes kinky-hair syndrome. Last evaluated: 2025-12-20. Review status: criteria provided, single submitter. Criteria: Invitae Variant Classification Sherloc (09022015). Collection method: clinical testing. Allele origin: germline.
Comment: This sequence change replaces tyrosine, which is neutral and polar, with cysteine, which is neutral and slightly polar, at codon 1418 of the ATP7A protein (p.Tyr1418Cys). This variant is not present in population databases (gnomAD no frequency). This variant has not been reported in the literature in individuals affected with ATP7A-related conditions. Invitae Evidence Modeling of protein sequence and biophysical properties (such as structural, functional, and spatial information, amino acid conservation, physicochemical variation, residue mobility, and thermodynamic stability) indicates that this missense variant is not expected to disrupt ATP7A protein function with a negative predictive value of 95%. In summary, the available evidence is currently insufficient to determine the role of this variant in disease. Therefore, it has been classified as a Variant of Uncertain Significance.